The following is an entry in ClinVar:

NM_000548.5(TSC2):c.4977dup (p.Gly1660fs)

Gene: TSC2 (TSC complex subunit 2; plus strand). Cytogenetic location: 16p13.3.
Variant type: Duplication.
Coding change: c.4977dup on transcript NM_000548.5 (MANE Select); coding-DNA position 4977, one base duplicated (T; older notation c.4977dupT).
Protein change: p.Gly1660fs; shifts the reading frame from glycine 1660.
Molecular consequence: frameshift variant. On other transcripts: non-coding transcript variant (5).
Genome position (GRCh38, 1-based): chr16:2,086,859, T duplicated; the last of 2 consecutive T bases (chr16:2,086,858-2,086,859); duplicating either gives the same sequence. VCF-style (leftmost placement, unchanged base first): chr16-2086857-C-CT. GRCh37 (hg19) VCF-style: chr16-2136858-C-CT.
Other names: c.4776dup, p.Gly1593fs (NM_001077183.3); c.4908dup, p.Gly1637fs (NM_001114382.3); c.4668dup, p.Gly1557fs (NM_001318827.2); c.4632dup, p.Gly1545fs (NM_001318829.2); c.4245dup, p.Gly1416fs (NM_001318831.2); c.4809dup, p.Gly1604fs (NM_001318832.2); c.4779dup, p.Gly1594fs (NM_001363528.2); c.4845dup, p.Gly1616fs (NM_001370404.1); and 26 more; short protein forms G1189fs, G1394fs, G1544fs, G1545fs, G1589fs, G1594fs, G1600fs, G1617fs.
Identifiers: ClinVar variation 3571481 (VCV003571481.1).

ClinVar aggregate classification (germline): Pathogenic (1 of 4 stars; one submission).

Submission:

Athena Diagnostics
Classification: Pathogenic. Last evaluated: 2024-02-26. Review status: criteria provided, single submitter. Criteria: Athena Diagnostics Criteria. Collection method: clinical testing. Allele origin: unknown.
Comment: This variant is expected to result in the loss of a functional protein. This variant has been identified in at least one individual tested at Athena Diagnostics with clinical features associated with this gene. This variant has not been reported in large, multi-ethnic general populations.